The following is an entry in ClinVar:

NM_006258.4(PRKG1):c.1997G>A (p.Ser666Asn)

Gene: PRKG1 (protein kinase cGMP-dependent 1; plus strand). Cytogenetic location: 10q21.1.
Variant type: single nucleotide variant.
Coding change: c.1997G>A on transcript NM_006258.4 (MANE Select); coding-DNA position 1997, G replaced by A.
Protein change: p.Ser666Asn; replaces serine 666 with asparagine.
Molecular consequence: missense variant.
Genome position (GRCh38, 1-based): chr10:52,293,836, G>A. VCF-style: chr10-52293836-G-A. GRCh37 (hg19) VCF-style: chr10-54053596-G-A.
Other names: c.1952G>A, p.Ser651Asn (NM_001098512.3); c.788G>A, p.Ser263Asn (NM_001374781.1); short protein forms S263N, S666N, S651N.
Identifiers: ClinVar variation 2760739 (VCV002760739.3), dbSNP rs2492905346, ClinGen allele CA376536806.
Genomic context (GRCh38, chr10:52,293,836, plus strand): 5'-AAAAAAAACCTGTCCATTTTTTACAGGTTGCATCACCCACAGACACAAGTAATTTTGACA[G>A]TTTCCCTGAGGACAACGATGAACCACCACCTGATGACAACTCAGGATGGGATATAGACTT-3'
Protein context (NP_006249.1, residues 656-676): ASPTDTSNFD[Ser666Asn]FPEDNDEPPP

ClinVar aggregate classification (germline): Uncertain significance (1 of 4 stars; one submission).

Conditions:
Aortic aneurysm, familial thoracic 8 (AAT8). Identifiers: MedGen C3809513, MONDO:0014187, OMIM 615436.

Allele frequency attached by ClinVar (database versions not stated): gnomAD exomes 0.00001.
gnomAD v4.1: 3 of 1,613,282 alleles (0.00019%); highest among the groups gnomAD compares: Middle Eastern, 0.017%; no homozygotes.

Submission:

Labcorp Genetics (formerly Invitae), Labcorp
Classification: Uncertain significance for Aortic aneurysm, familial thoracic 8. Last evaluated: 2024-01-02. Review status: criteria provided, single submitter. Criteria: Invitae Variant Classification Sherloc (09022015). Collection method: clinical testing. Allele origin: germline.
Comment: This sequence change replaces serine, which is neutral and polar, with asparagine, which is neutral and polar, at codon 666 of the PRKG1 protein (p.Ser666Asn). This variant is not present in population databases (gnomAD no frequency). This variant has not been reported in the literature in individuals affected with PRKG1-related conditions. An algorithm developed to predict the effect of missense changes on protein structure and function (PolyPhen-2) suggests that this variant is likely to be tolerated. In summary, the available evidence is currently insufficient to determine the role of this variant in disease. Therefore, it has been classified as a Variant of Uncertain Significance.